The following is an entry in ClinVar:

ClinVar aggregate classification (germline): Likely benign. Review status: criteria provided, multiple submitters, no conflicts (2 of 4 stars). 2 submissions from 2 submitters: Likely benign (2). Last evaluated 2025-11-05.

Conditions:
Oligodontia-cancer predisposition syndrome. Also called: TOOTH AGENESIS-COLORECTAL CANCER SYNDROME. Identifiers: Orphanet 300576, MedGen C1837750, MONDO:0012075, OMIM 608615. Disease mechanism: loss of function.

Submissions (2):

Labcorp Genetics (formerly Invitae), Labcorp
Classification: Likely benign for Oligodontia-cancer predisposition syndrome. Last evaluated: 2025-11-05. Review status: criteria provided, single submitter. Criteria: Invitae Variant Classification Sherloc (09022015). Collection method: clinical testing. Allele origin: germline.

Myriad Genetics, Inc.
Classification: Likely benign for Oligodontia-cancer predisposition syndrome. Last evaluated: 2024-07-08. Review status: criteria provided, single submitter. Criteria: Myriad Autosomal Dominant, Autosomal Recessive and X-Linked Classification Criteria (2023). Collection method: clinical testing. Allele origin: unknown.
Comment: This variant is considered likely benign. This variant is intronic and is not expected to impact mRNA splicing.

NM_004655.4(AXIN2):c.1713-12G>T

Gene: AXIN2 (axin 2; minus strand). Cytogenetic location: 17q24.1.
Variant type: single nucleotide variant.
Coding change: c.1713-12G>T on transcript NM_004655.4 (MANE Select); 12 bases into the intron before coding-DNA position 1713, G replaced by T.
Molecular consequence: intron variant.
Genome position (GRCh38, 1-based): chr17:65,537,075, C>A on the plus strand (G>T on the coding strand, the complement: AXIN2 is on the minus strand). VCF-style: chr17-65537075-C-A. GRCh37 (hg19) VCF-style: chr17-63533193-C-A.
Other names: c.1712+249G>T (NM_001363813.1).
Identifiers: ClinVar variation 3379201 (VCV003379201.2).